The following is an entry in ClinVar:

NM_001875.5(CPS1):c.1412C>A (p.Thr471Asn)

Gene: CPS1 (carbamoyl-phosphate synthase 1; plus strand). Cytogenetic location: 2q34.
Variant type: single nucleotide variant.
Coding change: c.1412C>A on transcript NM_001875.5 (MANE Select); coding-DNA position 1412, C replaced by A.
Protein change: p.Thr471Asn; replaces threonine 471 with asparagine.
Molecular consequence: missense variant. On other transcripts: non-coding transcript variant (2).
Genome position (GRCh38, 1-based): chr2:210,599,424, C>A. VCF-style: chr2-210599424-C-A. GRCh37 (hg19) VCF-style: chr2-211464148-C-A.
Other names: c.1412C>A, p.Thr471Asn (NM_001122633.3, NM_001369257.1); c.1445C>A, p.Thr482Asn (NM_001369256.1); short protein forms T471N, T482N.
Identifiers: ClinVar variation 2691668 (VCV002691668.1), dbSNP rs2469146969, ClinGen allele CA350435282.

ClinVar aggregate classification (germline): Likely pathogenic (1 of 4 stars; one submission).

Conditions:
Congenital hyperammonemia, type I. Also called: Carbamoyl phosphate synthetase I deficiency disease; Carbamoyl phosphate synthetase 1 deficiency; Hyperammonemia due to carbamoyl phosphate synthetase 1 deficiency; CPS 1 deficiency; Carbamyl phosphate synthetase (CPS) deficiency; Carbamoyl-phosphate synthase I deficiency. Identifiers: Orphanet 147, MedGen C4082171, MONDO:0009376, OMIM 237300.

Submission:

Women's Health and Genetics/Laboratory Corporation of America, LabCorp
Classification: Likely pathogenic for Congenital hyperammonemia, type I. Last evaluated: 2023-12-13. Review status: criteria provided, single submitter. Criteria: LabCorp Variant Classification Summary - May 2015. Collection method: clinical testing. Allele origin: germline.
Comment: Variant summary: CPS1 c.1412C>A (p.Thr471Asn) results in a non-conservative amino acid change located in the Carbamoyl-phosphate synthase large subunit, CPSase domain (IPR005483) of the encoded protein sequence. Five of five in-silico tools predict a damaging effect of the variant on protein function. The variant was absent in 250608 control chromosomes. c.1412C>A has been reported in the literature at a compound heterozygous state with a second pathogenic variant in at-least one individual affected with neonatal Carbamoylphosphate Synthetase I Deficiency, who had no liver CPS1 activity and survived at 3.5 years after liver transplantation (example, Pekkala_2010). Subsequence functional analysis suggest this variant greatly decreased the apparent affinity for NAG, resulting in about 7% of normal activity in rat liver cells (Pekkala_2010). The following publication have been ascertained in the context of this evaluation (PMID: 20578160). No submitters have cited clinical-significance assessments for this variant to ClinVar after 2014. Based on the evidence outlined above, the variant was classified as likely pathogenic.

Literature cited by the submitters: PubMed 20578160.